The following is an entry in ClinVar:

ClinVar aggregate classification (germline): Uncertain significance (1 of 4 stars; one submission).

Conditions:
NIK deficiency. Also called: Primary immunodeficiency with multifaceted aberrant lymphoid immunity. Identifiers: Orphanet 447731, MedGen C5680065, MONDO:0018642.

Allele frequency attached by ClinVar (database versions not stated): gnomAD exomes below 0.00001 and 0.00001; ExAC 0.00001; gnomAD 0.00001; TOPMed 0.00001.

Submission:

Labcorp Genetics (formerly Invitae), Labcorp
Classification: Uncertain significance for NIK deficiency. Last evaluated: 2022-09-07. Review status: criteria provided, single submitter. Criteria: Invitae Variant Classification Sherloc (09022015). Collection method: clinical testing. Allele origin: germline.
Comment: This sequence change replaces proline, which is neutral and non-polar, with arginine, which is basic and polar, at codon 245 of the MAP3K14 protein (p.Pro245Arg). This variant is present in population databases (rs778754357, gnomAD 0.009%). This variant has not been reported in the literature in individuals affected with MAP3K14-related conditions. ClinVar contains an entry for this variant (Variation ID: 953815). In summary, the available evidence is currently insufficient to determine the role of this variant in disease. Therefore, it has been classified as a Variant of Uncertain Significance.

NM_003954.5(MAP3K14):c.734C>G (p.Pro245Arg)

Gene: MAP3K14 (mitogen-activated protein kinase kinase kinase 14; minus strand). Cytogenetic location: 17q21.31.
Variant type: single nucleotide variant.
Coding change: c.734C>G on transcript NM_003954.5 (MANE Select); coding-DNA position 734, C replaced by G.
Protein change: p.Pro245Arg; replaces proline 245 with arginine.
Molecular consequence: missense variant.
Genome position (GRCh38, 1-based): chr17:45,286,849, G>C on the plus strand (C>G on the coding strand, the complement: MAP3K14 is on the minus strand). VCF-style: chr17-45286849-G-C. GRCh37 (hg19) VCF-style: chr17-43364216-G-C.
Other names: short protein forms P245R.
Identifiers: ClinVar variation 953815 (VCV000953815.7), dbSNP rs778754357, ClinGen allele CA8614285.